The following is an entry in ClinVar:

ClinVar aggregate classification (germline): Uncertain significance (0 of 4 stars; one submission).

Conditions:
SH2B1-related disorder. Also called: SH2B1-related condition.

Submission:

PreventionGenetics, part of Exact Sciences
Classification: Uncertain significance for SH2B1-related condition. Last evaluated: 2024-02-06. Review status: no assertion criteria provided. Collection method: clinical testing. Allele origin: germline.
Comment: The SH2B1 c.1333C>T variant is predicted to result in the amino acid substitution p.Arg445Cys. To our knowledge, this variant has not been reported in the literature. This variant is reported in 0.0058% of alleles in individuals of Latino descent in gnomAD. At this time, the clinical significance of this variant is uncertain due to the absence of conclusive functional and genetic evidence.

NM_001387430.1(SH2B1):c.1333C>T (p.Arg445Cys)

Gene: SH2B1 (SH2B adaptor protein 1; plus strand). Cytogenetic location: 16p11.2.
Variant type: single nucleotide variant.
Coding change: c.1333C>T on transcript NM_001387430.1 (MANE Select); coding-DNA position 1333, C replaced by T.
Protein change: p.Arg445Cys; replaces arginine 445 with cysteine.
Molecular consequence: missense variant.
Genome position (GRCh38, 1-based): chr16:28,871,803, C>T. VCF-style: chr16-28871803-C-T. GRCh37 (hg19) VCF-style: chr16-28883124-C-T.
Other names: c.1333C>T, p.Arg445Cys (NM_001145795.2, NM_001145796.2, NM_001145797.2 and 4 more transcripts); c.325C>T, p.Arg109Cys (NM_001308294.2); short protein forms R109C, R445C.
Identifiers: ClinVar variation 3357410 (VCV003357410.1).